The following is an entry in ClinVar:

ClinVar aggregate classification (germline): Conflicting classifications of pathogenicity. Review status: criteria provided, conflicting classifications (1 of 4 stars). 5 submissions from 5 submitters: Uncertain significance (4); Likely benign (1). Last evaluated 2025-12-21.

Conditions:
POLD1-related polyposis and colorectal cancer syndrome (CRCS10). Also called: Colorectal cancer, susceptibility to, 10; Colorectal cancer 10; COLORECTAL CANCER, SUSCEPTIBILITY TO, ON CHROMOSOME 19q. Identifiers: Orphanet 220460, MedGen C2675481, MONDO:0012953, OMIM 612591.
Hereditary cancer-predisposing syndrome. Also called: Neoplastic Syndromes, Hereditary; Hereditary neoplastic syndrome; Hereditary Cancer Syndrome; Tumor predisposition. Identifiers: Orphanet 140162, MedGen C0027672, MeSH D009386, MONDO:0015356.

Allele frequency attached by ClinVar (database versions not stated): gnomAD 0.00001 and 0.00003; gnomAD exomes 0.00002; TOPMed 0.00004; ExAC 0.00015.
gnomAD v4.1: 30 of 1,552,136 alleles (0.0019%); highest among the groups gnomAD compares: Non-Finnish European, 0.0024%; no homozygotes.

Submissions (5):

Labcorp Genetics (formerly Invitae), Labcorp
Classification: Uncertain significance for POLD1-related polyposis and colorectal cancer syndrome. Last evaluated: 2025-12-21. Review status: criteria provided, single submitter. Criteria: Invitae Variant Classification Sherloc (09022015). Collection method: clinical testing. Allele origin: germline.
Comment: This sequence change replaces glycine, which is neutral and non-polar, with arginine, which is basic and polar, at codon 932 of the POLD1 protein (p.Gly932Arg). The frequency data for this variant in the population databases is considered unreliable, as metrics indicate poor data quality at this position in the gnomAD database. This variant has not been reported in the literature in individuals affected with POLD1-related conditions. ClinVar contains an entry for this variant (Variation ID: 408092). Invitae Evidence Modeling of protein sequence and biophysical properties (such as structural, functional, and spatial information, amino acid conservation, physicochemical variation, residue mobility, and thermodynamic stability) indicates that this missense variant is not expected to disrupt POLD1 protein function with a negative predictive value of 80%. In summary, the available evidence is currently insufficient to determine the role of this variant in disease. Therefore, it has been classified as a Variant of Uncertain Significance.

GeneDx
Classification: Uncertain significance. Last evaluated: 2025-04-22. Review status: criteria provided, single submitter. Criteria: GeneDx Variant Classification Process June 2021. Collection method: clinical testing. Allele origin: germline. Affected: yes.
Comment: Has not been previously published as pathogenic or benign to our knowledge; In silico analysis supports that this missense variant has a deleterious effect on protein structure/function; Not observed at significant frequency in large population cohorts (gnomAD); This variant is associated with the following publications: (PMID: 29056344)

Ambry Genetics
Classification: Likely benign for Hereditary cancer-predisposing syndrome. Last evaluated: 2025-01-07. Review status: criteria provided, single submitter. Criteria: Ambry Variant Classification Scheme 2023. Collection method: clinical testing. Allele origin: germline.

St. Jude Molecular Pathology, St. Jude Children's Research Hospital
Classification: Uncertain significance for POLD1-related polyposis and colorectal cancer syndrome. Last evaluated: 2021-09-09. Review status: criteria provided, single submitter. Criteria: St. Jude Assertion Criteria 2020. Collection method: clinical testing. Allele origin: germline.
Comment: The POLD1 c.2794G>C (p.Gly932Arg) missense change has a maximum subpopulation frequency of 0.0028% in gnomAD v2.1.1, however this data may be unreliable due to poor data quality at this location. Five of seven in silico tools predict a deleterious effect of this variant on protein function (PP3), but to our knowledge these predictions have not been confirmed by functional assays. This variant has been reported in two tumors with a low tumor mutational burden (PMID: 29056344). To our knowledge, this variant has not been reported in the literature in individuals with POLD1-related disease. In summary, this variant meets criteria to be classified as of uncertain significance based on the ACMG/AMP criteria: PP3.

Sema4
Classification: Uncertain significance for Hereditary cancer-predisposing syndrome. Last evaluated: 2021-05-12. Review status: criteria provided, single submitter. Criteria: Sema4 Curation Guidelines. Collection method: curation. Allele origin: germline.
Comment: The POLD1 c.2794G>C (p.G932R) variant has been reported in a tumor sample from a large cohort analysis on hypermutation (PMID: 29056344). This variant was observed in 2/70582 chromosomes in the European Non-Finnish subpopulation according to the Genome Aggregation Database (PMID: 32461654). This variant has been reported in ClinVar (Variation ID: 408092).This variant involves a moderately conserved amino acid, and computational analyses do not provide strong support for or against an impact to the protein, though these predictions have not been confirmed by published functional studies. The overall evidence is insufficient to meet ACMG/AMP criteria for classifying it as benign or pathogenic. In summary, the clinical significance of this variant is currently uncertain.

Literature cited by the submitters: PubMed 29056344 (cited by Sema4).

NM_002691.4(POLD1):c.2794G>C (p.Gly932Arg)

Gene: POLD1 (DNA polymerase delta 1, catalytic subunit; plus strand). Cytogenetic location: 19q13.33.
Variant type: single nucleotide variant.
Coding change: c.2794G>C on transcript NM_002691.4 (MANE Select); coding-DNA position 2794, G replaced by C.
Protein change: p.Gly932Arg; replaces glycine 932 with arginine.
Molecular consequence: missense variant.
Genome position (GRCh38, 1-based): chr19:50,415,800, G>C. VCF-style: chr19-50415800-G-C. GRCh37 (hg19) VCF-style: chr19-50919057-G-C.
Other names: c.2872G>C, p.Gly958Arg (LRG_785t2, NM_001308632.1); c.2794G>C, p.Gly932Arg (LRG_785t1, NM_001256849.1); short protein forms G932R, G958R.
Identifiers: ClinVar variation 408092 (VCV000408092.28), dbSNP rs761355038, ClinGen allele CA9596658.